The following is an entry in ClinVar:

NM_001004356.3(FGFRL1):c.131G>A (p.Gly44Asp)

Gene: FGFRL1 (fibroblast growth factor receptor like 1; plus strand). Cytogenetic location: 4p16.3.
Variant type: single nucleotide variant.
Coding change: c.131G>A on transcript NM_001004356.3 (MANE Select); coding-DNA position 131, G replaced by A.
Protein change: p.Gly44Asp; replaces glycine 44 with aspartic acid.
Molecular consequence: missense variant.
Genome position (GRCh38, 1-based): chr4:1,022,254, G>A. VCF-style: chr4-1022254-G-A. GRCh37 (hg19) VCF-style: chr4-1016042-G-A.
Other names: c.131G>A, p.Gly44Asp (NM_001004358.1, NM_001370296.1, NM_021923.3); short protein forms G44D.
Identifiers: ClinVar variation 3723445 (VCV003723445.2).

ClinVar aggregate classification (germline): Uncertain significance (1 of 4 stars; one submission).

Submission:

Labcorp Genetics (formerly Invitae), Labcorp
Classification: Uncertain significance. Last evaluated: 2024-10-27. Review status: criteria provided, single submitter. Criteria: Invitae Variant Classification Sherloc (09022015). Collection method: clinical testing. Allele origin: germline.
Comment: This sequence change replaces glycine, which is neutral and non-polar, with aspartic acid, which is acidic and polar, at codon 44 of the FGFRL1 protein (p.Gly44Asp). This variant is not present in population databases (gnomAD no frequency). This variant has not been reported in the literature in individuals affected with FGFRL1-related conditions. An algorithm developed to predict the effect of missense changes on protein structure and function (PolyPhen-2) suggests that this variant is likely to be disruptive. In summary, the available evidence is currently insufficient to determine the role of this variant in disease. Therefore, it has been classified as a Variant of Uncertain Significance.